The following is an entry in ClinVar:

ClinVar aggregate classification (germline): Benign. Review status: criteria provided, multiple submitters, no conflicts (2 of 4 stars). 7 submissions from 7 submitters: Benign (5). 2 of the submissions do not count toward it. Last evaluated 2026-02-03.

Conditions:
ALDH5A1-related disorder. Also called: ALDH5A1-related condition.
Succinate-semialdehyde dehydrogenase deficiency (SSADHD). Also called: 4-HYDROXYBUTYRIC ACIDURIA; GABA METABOLIC DEFECT; SSADH DEFICIENCY; Succinic Semialdehyde Dehydrogenase Deficiency. Identifiers: Orphanet 22, MedGen C0268631, MONDO:0010083, OMIM 271980.

Allele frequency attached by ClinVar (database versions not stated): gnomAD 0.02518 and 0.02808; ESP Exome Variant Server 0.02622; TOPMed 0.02748; gnomAD exomes 0.03018 and 0.03799; ExAC 0.04021; 1000 Genomes Project 30x 0.04888; 1000 Genomes Project 0.04932.
gnomAD v4.1: 48,780 of 1,613,974 alleles (3%); highest among the groups gnomAD compares: South Asian, 9.9%; 1,292 homozygotes.

Submissions (7):

Labcorp Genetics (formerly Invitae), Labcorp
Classification: Benign for Succinate-semialdehyde dehydrogenase deficiency. Last evaluated: 2026-02-03. Review status: criteria provided, single submitter. Criteria: Invitae Variant Classification Sherloc (09022015). Collection method: clinical testing. Allele origin: germline.

Mayo Clinic Laboratories, Mayo Clinic
Classification: Benign. Last evaluated: 2023-02-01. Review status: criteria provided, single submitter. Criteria: ACMG Guidelines, 2015. Collection method: clinical testing. Allele origin: germline. Observed: 36 variant alleles.
Comment: BA1

GeneDx
Classification: Benign. Last evaluated: 2018-07-17. Review status: criteria provided, single submitter. Criteria: GeneDx Variant Classification Process June 2021. Collection method: clinical testing. Allele origin: germline. Affected: yes.
Comment: This variant is associated with the following publications: (PMID: 12208142, 27056292, 19164088)

Illumina Laboratory Services, Illumina
Classification: Benign for Succinate-semialdehyde dehydrogenase deficiency. Last evaluated: 2018-03-06. Review status: criteria provided, single submitter. Criteria: ICSL Variant Classification Criteria 13 December 2019. Collection method: clinical testing. Allele origin: germline.
Comment: This variant was observed in the ICSL laboratory as part of a predisposition screen in an ostensibly healthy population. It had not been previously curated by ICSL or reported in the Human Gene Mutation Database (HGMD: prior to June 1st, 2018), and was therefore a candidate for classification through an automated scoring system. Utilizing variant allele frequency, disease prevalence and penetrance estimates, and inheritance mode, an automated score was calculated to assess if this variant is too frequent to cause the disease. Based on the score and internal cut-off values, a variant classified as benign is not then subjected to further curation. The score for this variant resulted in a classification of benign for this disease.

Eurofins Ntd Llc (ga)
Classification: Benign. Last evaluated: 2016-06-10. Review status: criteria provided, single submitter. Criteria: EGL Classification Definitions 2015. Collection method: clinical testing. Allele origin: germline. Observed: 1 variant allele, 1 heterozygote.

PreventionGenetics, part of Exact Sciences
Classification: Benign for ALDH5A1-related condition. Last evaluated: 2020-01-07. Review status: no assertion criteria provided. Collection method: clinical testing. Allele origin: germline. Not counted in ClinVar's aggregate classification.
Comment: This variant is classified as benign based on ACMG/AMP sequence variant interpretation guidelines (Richards et al. 2015 PMID: 25741868, with internal and published modifications).

Genetic Services Laboratory, University of Chicago
Classification: Likely benign for AllHighlyPenetrant. Review status: no assertion criteria provided. Collection method: clinical testing. Allele origin: germline. Inheritance: Autosomal recessive inheritance. Not counted in ClinVar's aggregate classification.
Comment: Likely benign based on allele frequency in 1000 Genomes Project or ESP global frequency and its presence in a patient with a rare or unrelated disease phenotype. NOT Sanger confirmed.

Literature cited by the submitters: PubMed 12208142 (cited by Mayo Clinic Laboratories, Mayo Clinic); PubMed 14635103 (cited by Mayo Clinic Laboratories, Mayo Clinic); PubMed 16406321 (cited by Mayo Clinic Laboratories, Mayo Clinic); PubMed 19164088 (cited by Mayo Clinic Laboratories, Mayo Clinic); PubMed 25431891 (cited by Mayo Clinic Laboratories, Mayo Clinic); PubMed 27056292 (cited by Mayo Clinic Laboratories, Mayo Clinic); PubMed 32093054 (cited by Mayo Clinic Laboratories, Mayo Clinic); PubMed 32575506 (cited by Mayo Clinic Laboratories, Mayo Clinic).

NM_001080.3(ALDH5A1):c.545C>T (p.Pro182Leu)

Gene: ALDH5A1 (aldehyde dehydrogenase 5 family member A1; plus strand). Cytogenetic location: 6p22.3.
Variant type: single nucleotide variant.
Coding change: c.545C>T on transcript NM_001080.3 (MANE Select); coding-DNA position 545, C replaced by T.
Protein change: p.Pro182Leu; replaces proline 182 with leucine.
Molecular consequence: missense variant.
Genome position (GRCh38, 1-based): chr6:24,503,369, C>T. VCF-style: chr6-24503369-C-T. GRCh37 (hg19) VCF-style: chr6-24503597-C-T.
Other names: c.545C>T, p.Pro182Leu (NM_001368954.1, NM_170740.1); short protein forms P182L.
Identifiers: ClinVar variation 128344 (VCV000128344.26), dbSNP rs3765310, ClinGen allele CA151747.